The following is an entry in ClinVar:

NM_001288705.3(CSF1R):c.2339C>T (p.Ala780Val)

Gene: CSF1R (colony stimulating factor 1 receptor; minus strand). Cytogenetic location: 5q32.
Variant type: single nucleotide variant.
Coding change: c.2339C>T on transcript NM_001288705.3 (MANE Select); coding-DNA position 2339, C replaced by T.
Protein change: p.Ala780Val; replaces alanine 780 with valine.
Molecular consequence: missense variant. On other transcripts: non-coding transcript variant (2).
Genome position (GRCh38, 1-based): chr5:150,056,322, G>A on the plus strand (C>T on the coding strand, the complement: CSF1R is on the minus strand). VCF-style: chr5-150056322-G-A. GRCh37 (hg19) VCF-style: chr5-149435885-G-A.
Other names: c.2339C>T, p.Ala780Val (NM_001349736.2, NM_001375320.1, NM_005211.4); c.1895C>T, p.Ala632Val (NM_001375321.1); c.2339C>T (NM_005211.3); short protein forms A632V, A780V.
Identifiers: ClinVar variation 3068555 (VCV003068555.3), dbSNP rs2113779595, ClinGen allele CA361759023.
Genomic context (GRCh38, chr5:150,056,322, plus strand): 5'-GCCAGCCCGAAGTCCCCAATCTTGGCCACATGACCATTGGTCAACAGCACGTTACGCGCT[G>A]CCACGTCCCGGTGGATGCACTGAGGGAAAGCACTGCAGGGTTAGTCTTGGGCCTTCTCCT-3'
Protein context (NP_001275634.1, residues 770-790): ASKNCIHRDV[Ala780Val]ARNVLLTNGH

ClinVar aggregate classification (germline): Likely pathogenic. Review status: criteria provided, multiple submitters, no conflicts (2 of 4 stars). 3 submissions from 3 submitters: Likely pathogenic (2). 1 of the submissions does not count toward it. Last evaluated 2023-03-30.

Conditions:
Leukoencephalopathy, diffuse hereditary, with spheroids 1 (HDLS1). Also called: SUBCORTICAL GLIOSIS OF NEUMANN; CSF1R-related adult-onset leukoencephalopathy with axonal spheroids and pigmented glia; DEMENTIA, FAMILIAL, NEUMANN TYPE. Identifiers: Orphanet 313808, MedGen C5561929, MONDO:0800027, OMIM 221820.

Submissions (3):

Molecular Genetics, Royal Melbourne Hospital
Classification: Likely pathogenic for Leukoencephalopathy, diffuse hereditary, with spheroids 1. Last evaluated: 2023-03-30. Review status: criteria provided, single submitter. Criteria: ACMG Guidelines, 2015. Collection method: clinical testing. Allele origin: germline. Affected: yes.
Comment: This sequence change is predicted to replace alanine with valine at codon 780 of the CSF1R protein (p.Ala780Val). The alanine residue is highly conserved (100 vertebrates, UCSC), and is located in a mutational hot spot in the protein tyrosine kinase domain (PM1; PMID: 32055602). There is a moderate physicochemical difference between alanine and valine. The variant is absent in a large population cohort (PM2; gnomAD v2.1), and has been identified in a individual with a clinical diagnosis of hereditary diffuse leukoencephalopathy with spheroids (PS4_Supporting; Royal Melbourne Hospital). Multiple lines of computational evidence predict a deleterious effect for the missense substitution (PP3; 7/7 algorithms). Based on the classification scheme RMH ACMG Guidelines v1.2.1, this variant is classified as LIKELY PATHOGENIC. Following criteria are met: PM1, PM2, PS4_Supporting, PP3.

Victorian Clinical Genetics Services, Murdoch Childrens Research Institute
Classification: Likely pathogenic for Leukoencephalopathy, diffuse hereditary, with spheroids 1. Last evaluated: 2021-05-06. Review status: criteria provided, single submitter. Criteria: ACMG Guidelines, 2015. Collection method: clinical testing. Allele origin: germline. Inheritance: Autosomal dominant inheritance.
Comment: Based on the classification scheme VCGS_Germline_v1.3.4, this variant is classified as Likely Pathogenic. Following criteria are met: 0102 - Loss of function is a known mechanism of disease in this gene and is associated with brain abnormalities, neurodegeneration, and dysosteosclerosis (MIM#618476). Dominant negative and loss of function are both suggested mechanisms for hereditary diffuse leukoencephalopathy with spheroids (MIM#221820). However, there are conflicting reports both supporting and disputing a dominant negative mechanism (OMIM, PMID: 24336230, PMID: 31330095, PMID: 30982609). (I) 0108 - This gene is associated with both recessive and dominant disease (OMIM). (I) 0200 - Variant is predicted to result in a missense amino acid change from alanine to valine. (I) 0251 - This variant is heterozygous. (I) 0301 - Variant is absent from gnomAD (both v2 and v3). (SP) 0502 - Missense variant with conflicting in silico predictions and uninformative conservation. (I) 0601 - Variant is located in the well-established functional catalytic domain of the protein tyrosine kinase (NCBI, DECIPHER). (SP) 0705 - No comparable missense variants have previous evidence for pathogenicity. (I) 0807 - This variant has no previous evidence of pathogenicity. (I) 0905 - No published segregation evidence has been identified for this variant. (I) 1007 - No published functional evidence has been identified for this variant. (I) 1101 - Very strong and specific phenotype match for this individual. (SP) 1208 - Inheritance information for this variant is not currently available in this individual. (I) Legend: (SP) - Supporting pathogenic, (I) - Information, (SB) - Supporting benign

Clinical Genetics Laboratory, University Hospital Schleswig-Holstein
Classification: Likely pathogenic for Leukoencephalopathy, diffuse hereditary, with spheroids 1. Last evaluated: 2024-09-10. Review status: no assertion criteria provided. Collection method: clinical testing. Allele origin: germline. Affected: yes. Not counted in ClinVar's aggregate classification.

Literature cited by the submitters: PubMed 32055602 (cited by Molecular Genetics, Royal Melbourne Hospital); PubMed 24336230 (cited by Victorian Clinical Genetics Services, Murdoch Childrens Research Institute); PubMed 30982609 (cited by Victorian Clinical Genetics Services, Murdoch Childrens Research Institute); PubMed 31330095 (cited by Victorian Clinical Genetics Services, Murdoch Childrens Research Institute).